The following is an entry in ClinVar:

ClinVar aggregate classification (germline): Conflicting classifications of pathogenicity. Review status: criteria provided, conflicting classifications (1 of 4 stars). 2 submissions from 2 submitters: Uncertain significance (1); Likely benign (1). Last evaluated 2025-11-27.

Conditions:
Hereditary cancer-predisposing syndrome. Also called: Neoplastic Syndromes, Hereditary; Hereditary Cancer Syndrome; Hereditary neoplastic syndrome; Tumor predisposition. Identifiers: Orphanet 140162, MedGen C0027672, MeSH D009386, MONDO:0015356.
Gastrointestinal stromal tumor. Also called: Gastrointestinal stromal tumor, somatic; Gastrointestinal stroma tumor. Identifiers: Orphanet 44890, MedGen C0238198, MeSH D046152, MONDO:0011719, OMIM 606764, HP:0100723.

Allele frequency attached by ClinVar (database versions not stated): TOPMed below 0.00001; gnomAD 0.00001; gnomAD exomes 0.00001 and 0.00002.
gnomAD v4.1: 12 of 1,614,022 alleles (0.00074%); highest among the groups gnomAD compares: East Asian, 0.0067%; no homozygotes.

Submissions (2):

Labcorp Genetics (formerly Invitae), Labcorp
Classification: Uncertain significance for Gastrointestinal stromal tumor. Last evaluated: 2025-11-27. Review status: criteria provided, single submitter. Criteria: Invitae Variant Classification Sherloc (09022015). Collection method: clinical testing. Allele origin: germline.
Comment: This sequence change replaces aspartic acid, which is acidic and polar, with asparagine, which is neutral and polar, at codon 68 of the PDGFRA protein (p.Asp68Asn). This variant is present in population databases (no rsID available, gnomAD 0.01%). This variant has not been reported in the literature in individuals affected with PDGFRA-related conditions. ClinVar contains an entry for this variant (Variation ID: 407388). Invitae Evidence Modeling of protein sequence and biophysical properties (such as structural, functional, and spatial information, amino acid conservation, physicochemical variation, residue mobility, and thermodynamic stability) indicates that this missense variant is not expected to disrupt PDGFRA protein function with a negative predictive value of 80%. In summary, the available evidence is currently insufficient to determine the role of this variant in disease. Therefore, it has been classified as a Variant of Uncertain Significance.

Ambry Genetics
Classification: Likely benign for Hereditary cancer-predisposing syndrome. Last evaluated: 2019-12-31. Review status: criteria provided, single submitter. Criteria: Ambry Variant Classification Scheme 2023. Collection method: clinical testing. Allele origin: germline.

NM_006206.6(PDGFRA):c.202G>A (p.Asp68Asn)

Gene: PDGFRA (platelet derived growth factor receptor alpha; plus strand). Cytogenetic location: 4q12.
Variant type: single nucleotide variant.
Coding change: c.202G>A on transcript NM_006206.6 (MANE Select); coding-DNA position 202, G replaced by A.
Protein change: p.Asp68Asn; replaces aspartic acid 68 with asparagine.
Molecular consequence: missense variant.
Genome position (GRCh38, 1-based): chr4:54,261,247, G>A. VCF-style: chr4-54261247-G-A. GRCh37 (hg19) VCF-style: chr4-55127414-G-A.
Other names: c.202G>A, p.Asp68Asn (NM_001347827.2, NM_001347829.2); c.277G>A, p.Asp93Asn (NM_001347828.2); c.241G>A, p.Asp81Asn (NM_001347830.2); short protein forms D68N, D93N, D81N.
Identifiers: ClinVar variation 407388 (VCV000407388.13), dbSNP rs1060501504, ClinGen allele CA16611446.
Genomic context (GRCh38, chr4:54,261,247, plus strand): 5'-AGATGCTTTGGGGAGAGTGAAGTGAGCTGGCAGTACCCCATGTCTGAAGAAGAGAGCTCC[G>A]ATGTGGAAATCAGAAATGAAGAAAACAACAGCGGCCTTTTTGTGACGGTCTTGGAAGTGA-3'
Protein context (NP_006197.1, residues 58-78): QYPMSEEESS[Asp68Asn]VEIRNEENNS